The following is an entry in ClinVar:

ClinVar aggregate classification (germline): Uncertain significance. Review status: criteria provided, multiple submitters, no conflicts (2 of 4 stars). 3 submissions from 3 submitters: Uncertain significance (3). Last evaluated 2025-05-20.

Conditions:
Inborn genetic diseases. Identifiers: MedGen C0950123, MeSH D030342.

Allele frequency attached by ClinVar (database versions not stated): TOPMed 0.00002.
gnomAD v4.1: 43 of 1,606,430 alleles (0.0027%); highest among the groups gnomAD compares: Non-Finnish European, 0.0034%; no homozygotes.

Submissions (3):

Ambry Genetics
Classification: Uncertain significance for Inborn genetic diseases. Last evaluated: 2025-05-20. Review status: criteria provided, single submitter. Criteria: Ambry Variant Classification Scheme 2023. Collection method: clinical testing. Allele origin: germline.

Blueprint Genetics
Classification: Uncertain significance. Last evaluated: 2024-01-11. Review status: criteria provided, single submitter. Criteria: ACMG Guidelines, 2015. Collection method: clinical testing. Allele origin: germline.

GeneDx
Classification: Uncertain significance. Last evaluated: 2022-09-23. Review status: criteria provided, single submitter. Criteria: GeneDx Variant Classification Process June 2021. Collection method: clinical testing. Allele origin: germline. Affected: yes.
Comment: See Variant Classification Assertion Criteria.

NM_025136.4(OPA3):c.424G>T (p.Ala142Ser)

Genes: OPA3 (outer mitochondrial membrane lipid metabolism regulator OPA3; minus strand), OPA3-RTN2 (OPA3-RTN2 readthrough; minus strand). Cytogenetic location: 19q13.32.
Variant type: single nucleotide variant.
Coding change: c.424G>T on transcript NM_025136.4 (MANE Select); coding-DNA position 424, G replaced by T.
Protein change: p.Ala142Ser; replaces alanine 142 with serine.
Molecular consequence: missense variant. On other transcripts: intron variant (1).
Genome position (GRCh38, 1-based): chr19:45,553,630, C>A on the plus strand (G>T on the coding strand, the complement: OPA3 is on the minus strand). VCF-style: chr19-45553630-C-A. GRCh37 (hg19) VCF-style: chr19-46056888-C-A.
Other names: p.A142S:GCG>TCG; c.143-24174G>T (NM_001017989.3); short protein forms A142S.
Identifiers: ClinVar variation 214924 (VCV000214924.5), dbSNP rs535683352, ClinGen allele CA321664.